The following is an entry in ClinVar:

ClinVar aggregate classification (germline): Uncertain significance (1 of 4 stars; one submission).

Conditions:
Hereditary nonpolyposis colorectal neoplasms. Identifiers: MedGen C0009405, MeSH D003123.

Submission:

Labcorp Genetics (formerly Invitae), Labcorp
Classification: Uncertain significance for Hereditary nonpolyposis colorectal neoplasms. Last evaluated: 2022-07-14. Review status: criteria provided, single submitter. Criteria: Invitae Variant Classification Sherloc (09022015). Collection method: clinical testing. Allele origin: germline.
Comment: This variant, c.3409_3411del, results in the deletion of 1 amino acid(s) of the MSH6 protein (p.Met1137del), but otherwise preserves the integrity of the reading frame. This variant is not present in population databases (gnomAD no frequency). This variant has not been reported in the literature in individuals affected with MSH6-related conditions. Experimental studies and prediction algorithms are not available or were not evaluated, and the functional significance of this variant is currently unknown. In summary, the available evidence is currently insufficient to determine the role of this variant in disease. Therefore, it has been classified as a Variant of Uncertain Significance.

NM_000179.3(MSH6):c.3409_3411del (p.Met1137del)

Gene: MSH6 (mutS homolog 6; plus strand). Cytogenetic location: 2p16.3.
Variant type: Deletion.
Coding change: c.3409_3411del on transcript NM_000179.3 (MANE Select); coding-DNA positions 3409 to 3411, 3 bases deleted (ATG; older notation c.3409_3411delATG).
Protein change: p.Met1137del; deletes methionine 1137.
Molecular consequence: inframe deletion. On other transcripts: inframe indel (38).
Genome position (GRCh38, 1-based): chr2:47,803,656-47,803,658, ATG deleted. VCF-style (leftmost placement, unchanged base first): chr2-47803655-TATG-T. GRCh37 (hg19) VCF-style: chr2-48030794-TATG-T.
Other names: c.3019_3021del, p.Met1007del (NM_001281492.2); c.2503_2505del, p.Met835del (NM_001281493.2, NM_001281494.2); c.3505_3507delATG, p.Met1169del (NM_001406795.1, NM_001406802.1); c.3409_3411delATG, p.Met1137del (NM_001406796.1, NM_001406800.1, NM_001406808.1 and 1 more transcripts); c.3112_3114delATG, p.Met1038del (NM_001406797.1, NM_001406801.1, NM_001406805.1 and 10 more transcripts); c.3235_3237delATG, p.Met1079del (NM_001406798.1); c.2884_2886delATG, p.Met962del (NM_001406799.1, NM_001406806.1, NM_001406807.1); c.2545_2547delATG, p.Met849del (NM_001406803.1); and 8 more; short protein forms M1038del, M1081del, M64del, M849del, M962del, M1139del, M835del, M1007del.
Identifiers: ClinVar variation 2017204 (VCV002017204.4), dbSNP rs2530775011, ClinGen allele CA2580067103.